The following is an entry in ClinVar:

ClinVar aggregate classification (germline): Uncertain significance (1 of 4 stars; one submission).

Allele frequency attached by ClinVar (database versions not stated): gnomAD exomes below 0.00001; TOPMed below 0.00001.
gnomAD v4.1: 1 of 1,613,910 alleles (0.000062%); highest among the groups gnomAD compares: Admixed American, 0.0017%; no homozygotes.

Submission:

Labcorp Genetics (formerly Invitae), Labcorp
Classification: Uncertain significance. Last evaluated: 2023-07-07. Review status: criteria provided, single submitter. Criteria: Invitae Variant Classification Sherloc (09022015). Collection method: clinical testing. Allele origin: germline.
Comment: This sequence change replaces glutamic acid, which is acidic and polar, with lysine, which is basic and polar, at codon 736 of the SIRT1 protein (p.Glu736Lys). This variant is not present in population databases (gnomAD no frequency). This variant has not been reported in the literature in individuals affected with SIRT1-related conditions. ClinVar contains an entry for this variant (Variation ID: 2117996). An algorithm developed to predict the effect of missense changes on protein structure and function (PolyPhen-2) suggests that this variant is likely to be tolerated. In summary, the available evidence is currently insufficient to determine the role of this variant in disease. Therefore, it has been classified as a Variant of Uncertain Significance.

NM_012238.5(SIRT1):c.2206G>A (p.Glu736Lys)

Gene: SIRT1 (sirtuin 1; plus strand). Cytogenetic location: 10q21.3.
Variant type: single nucleotide variant.
Coding change: c.2206G>A on transcript NM_012238.5 (MANE Select); coding-DNA position 2206, G replaced by A.
Protein change: p.Glu736Lys; replaces glutamic acid 736 with lysine.
Molecular consequence: missense variant.
Genome position (GRCh38, 1-based): chr10:67,916,555, G>A. VCF-style: chr10-67916555-G-A. GRCh37 (hg19) VCF-style: chr10-69676312-G-A.
Other names: c.1321G>A, p.Glu441Lys (NM_001142498.2); c.1297G>A, p.Glu433Lys (NM_001314049.2); short protein forms E736K, E433K, E441K.
Identifiers: ClinVar variation 2117996 (VCV002117996.4), dbSNP rs1564896279, ClinGen allele CA377053305.